The following is an entry in ClinVar:

NM_001012720.2(RGR):c.676C>T (p.Pro226Ser)

Gene: RGR (retinal G protein coupled receptor; plus strand). Cytogenetic location: 10q23.1.
Variant type: single nucleotide variant.
Coding change: c.676C>T on transcript NM_001012720.2 (MANE Select); coding-DNA position 676, C replaced by T.
Protein change: p.Pro226Ser; replaces proline 226 with serine.
Molecular consequence: missense variant. On other transcripts: intron variant (1).
Genome position (GRCh38, 1-based): chr10:84,257,938, C>T. VCF-style: chr10-84257938-C-T. GRCh37 (hg19) VCF-style: chr10-86017694-C-T.
Other names: c.688C>T, p.Pro230Ser (NM_002921.4); c.631-570C>T (NM_001012722.2); short protein forms P230S, P226S.
Identifiers: ClinVar variation 1460566 (VCV001460566.9), dbSNP rs1254582525, ClinGen allele CA377392132.
Genomic context (GRCh38, chr10:84,257,938, plus strand): 5'-ACAATTTCTCCCCAGGTAAACACCACTCTGCCAGCAAGGACGCTGCTGCTCGGCTGGGGC[C>T]CCTATGCCATCCTGTATCTATACGCAGTCATCGCAGACGTGACTTCCATCTCCCCCAAAC-3'
Protein context (NP_001012738.1, residues 216-236): PARTLLLGWG[Pro226Ser]YAILYLYAVI

ClinVar aggregate classification (germline): Uncertain significance. Review status: criteria provided, multiple submitters, no conflicts (2 of 4 stars). 2 submissions from 2 submitters: Uncertain significance (2). Last evaluated 2024-09-25.

Allele frequency attached by ClinVar (database versions not stated): gnomAD exomes below 0.00001 and 0.00001; TOPMed below 0.00001; gnomAD 0.00001.

Submissions (2):

Blueprint Genetics
Classification: Uncertain significance. Last evaluated: 2024-09-25. Review status: criteria provided, single submitter. Criteria: ACMG Guidelines, 2015. Collection method: clinical testing. Allele origin: germline.

Labcorp Genetics (formerly Invitae), Labcorp
Classification: Uncertain significance. Last evaluated: 2024-04-25. Review status: criteria provided, single submitter. Criteria: Invitae Variant Classification Sherloc (09022015). Collection method: clinical testing. Allele origin: germline.
Comment: This sequence change replaces proline, which is neutral and non-polar, with serine, which is neutral and polar, at codon 226 of the RGR protein (p.Pro226Ser). This variant is present in population databases (no rsID available, gnomAD 0.0009%). This variant has not been reported in the literature in individuals affected with RGR-related conditions. ClinVar contains an entry for this variant (Variation ID: 1460566). Experimental studies and prediction algorithms are not available or were not evaluated, and the functional significance of this variant is currently unknown. In summary, the available evidence is currently insufficient to determine the role of this variant in disease. Therefore, it has been classified as a Variant of Uncertain Significance.